The following is an entry in ClinVar:

NM_017636.4(TRPM4):c.2727C>G (p.Ile909Met)

Gene: TRPM4 (transient receptor potential cation channel subfamily M member 4; plus strand). Cytogenetic location: 19q13.33.
Variant type: single nucleotide variant.
Coding change: c.2727C>G on transcript NM_017636.4 (MANE Select); coding-DNA position 2727, C replaced by G.
Protein change: p.Ile909Met; replaces isoleucine 909 with methionine.
Molecular consequence: missense variant.
Genome position (GRCh38, 1-based): chr19:49,200,381, C>G. VCF-style: chr19-49200381-C-G. GRCh37 (hg19) VCF-style: chr19-49703638-C-G.
Other names: c.2292C>G, p.Ile764Met (NM_001195227.2); c.2382C>G, p.Ile794Met (NM_001321281.2); c.1119C>G, p.Ile373Met (NM_001321282.2); c.2205C>G, p.Ile735Met (NM_001321283.2); c.1665C>G, p.Ile555Met (NM_001321285.2); short protein forms I555M, I794M, I373M, I764M, I735M, I909M.
Identifiers: ClinVar variation 2853751 (VCV002853751.3), dbSNP rs2514200682, ClinGen allele CA406810418.
Genomic context (GRCh38, chr19:49,200,381, plus strand): 5'-CCTGGGCCGCACTGTCCTCTGCATCGACTTCATGGTTTTCACGGTGCGGCTGCTTCACAT[C>G]TTCACGGTCAACAAACAGCTGGGGCCCAAGATCGTCATCGTGAGCAAGATGGTGAGGCAG-3'
Protein context (NP_060106.2, residues 899-919): FMVFTVRLLH[Ile909Met]FTVNKQLGPK

ClinVar aggregate classification (germline): Uncertain significance (1 of 4 stars; one submission).

Conditions:
Progressive familial heart block type IB (PFHB1B). Identifiers: Orphanet 871, MedGen C1970298, MONDO:0011474, OMIM 604559.

Allele frequency attached by ClinVar (database versions not stated): gnomAD exomes below 0.00001.
gnomAD v4.1: 1 of 1,613,732 alleles (0.000062%); highest among the groups gnomAD compares: Non-Finnish European, 0.000085%; no homozygotes.

Submission:

Labcorp Genetics (formerly Invitae), Labcorp
Classification: Uncertain significance for Progressive familial heart block type IB. Last evaluated: 2023-04-09. Review status: criteria provided, single submitter. Criteria: Invitae Variant Classification Sherloc (09022015). Collection method: clinical testing. Allele origin: germline.
Comment: This variant has not been reported in the literature in individuals affected with TRPM4-related conditions. In summary, the available evidence is currently insufficient to determine the role of this variant in disease. Therefore, it has been classified as a Variant of Uncertain Significance. An algorithm developed to predict the effect of missense changes on protein structure and function (PolyPhen-2) suggests that this variant is likely to be disruptive. This variant is not present in population databases (gnomAD no frequency). This sequence change replaces isoleucine, which is neutral and non-polar, with methionine, which is neutral and non-polar, at codon 909 of the TRPM4 protein (p.Ile909Met).